The following is an entry in ClinVar:

NM_000540.3(RYR1):c.14639T>A (p.Met4880Lys)

Gene: RYR1 (ryanodine receptor 1; plus strand). Cytogenetic location: 19q13.2.
Variant type: single nucleotide variant.
Coding change: c.14639T>A on transcript NM_000540.3 (MANE Select); coding-DNA position 14639, T replaced by A.
Protein change: p.Met4880Lys; replaces methionine 4880 with lysine.
Molecular consequence: missense variant.
Genome position (GRCh38, 1-based): chr19:38,580,497, T>A. VCF-style: chr19-38580497-T-A. GRCh37 (hg19) VCF-style: chr19-39071137-T-A.
Other names: c.14624T>A, p.Met4875Lys (NM_001042723.2); short protein forms M4880K, M4875K.
Identifiers: ClinVar variation 285088 (VCV000285088.14), dbSNP rs193922883, ClinGen allele CA10604997.

ClinVar aggregate classification (germline): Uncertain significance. Review status: criteria provided, multiple submitters, no conflicts (2 of 4 stars). 2 submissions from 2 submitters: Uncertain significance (2). Last evaluated 2019-08-01.

Conditions:
RYR1-related disorder. Also called: RYR1-related disorders; RYR1-related condition. Identifiers: MedGen CN239331.

Submissions (2):

Labcorp Genetics (formerly Invitae), Labcorp
Classification: Uncertain significance for RYR1-related disorder. Last evaluated: 2019-08-01. Review status: criteria provided, single submitter. Criteria: Invitae Variant Classification Sherloc (09022015). Collection method: clinical testing. Allele origin: germline.
Comment: In summary, the available evidence is currently insufficient to determine the role of this variant in disease. Therefore, it has been classified as a Variant of Uncertain Significance. This missense change is located in a region of the RYR1 protein where a significant number of previously reported RYR1 missense mutations are found (PMID: 16084090). These observations suggest that a previously unreported missense substitution within this region may affect protein function, but experiments have not been done to test this possibility. Algorithms developed to predict the effect of missense changes on protein structure and function are either unavailable or do not agree on the potential impact of this missense change (SIFT: "Deleterious"; PolyPhen-2: "Benign"; Align-GVGD: "Class C0"). This variant has not been reported in the literature in individuals with RYR1-related conditions. ClinVar contains an entry for this variant (Variation ID: 285088). This variant is not present in population databases (ExAC no frequency). This sequence change replaces methionine with lysine at codon 4880 of the RYR1 protein (p.Met4880Lys). The methionine residue is highly conserved and there is a moderate physicochemical difference between methionine and lysine.

Eurofins Ntd Llc (ga)
Classification: Uncertain significance. Last evaluated: 2015-12-28. Review status: criteria provided, single submitter. Criteria: EGL Classification Definitions 2015. Collection method: clinical testing. Allele origin: germline. Observed: 1 variant allele, 1 heterozygote.

Literature cited by the submitters: PubMed 16084090 (cited by Labcorp Genetics (formerly Invitae), Labcorp).